The following is an entry in ClinVar:

NM_019066.5(MAGEL2):c.3088T>C (p.Phe1030Leu)

Gene: MAGEL2 (MAGE family member L2; minus strand). Cytogenetic location: 15q11.2.
Variant type: single nucleotide variant.
Coding change: c.3088T>C on transcript NM_019066.5 (MANE Select); coding-DNA position 3088, T replaced by C.
Protein change: p.Phe1030Leu; replaces phenylalanine 1030 with leucine.
Molecular consequence: missense variant.
Genome position (GRCh38, 1-based): chr15:23,644,655, A>G on the plus strand (T>C on the coding strand, the complement: MAGEL2 is on the minus strand). VCF-style: chr15-23644655-A-G. GRCh37 (hg19) VCF-style: chr15-23889802-A-G.
Other names: short protein forms F1030L.
Identifiers: ClinVar variation 1921959 (VCV001921959.7), dbSNP rs762817125, ClinGen allele CA391325911.

ClinVar aggregate classification (germline): Uncertain significance. Review status: criteria provided, multiple submitters, no conflicts (2 of 4 stars). 3 submissions from 3 submitters: Uncertain significance (2). 1 of the submissions does not count toward it. Last evaluated 2026-01-11.

Conditions:
MAGEL2-related disorder. Also called: MAGEL2-related condition.
Inborn genetic diseases. Identifiers: MedGen C0950123, MeSH D030342.

gnomAD v4.1: 10 of 1,613,874 alleles (0.00062%); highest among the groups gnomAD compares: Non-Finnish European, 0.00076%; no homozygotes.

Submissions (3):

Labcorp Genetics (formerly Invitae), Labcorp
Classification: Uncertain significance. Last evaluated: 2026-01-11. Review status: criteria provided, single submitter. Criteria: Invitae Variant Classification Sherloc (09022015). Collection method: clinical testing. Allele origin: germline.
Comment: This sequence change replaces phenylalanine, which is neutral and non-polar, with leucine, which is neutral and non-polar, at codon 1030 of the MAGEL2 protein (p.Phe1030Leu). This variant is present in population databases (no rsID available, gnomAD 0.002%). This variant has not been reported in the literature in individuals affected with MAGEL2-related conditions. ClinVar contains an entry for this variant (Variation ID: 1921959). An algorithm developed to predict the effect of missense changes on protein structure and function outputs the following: PolyPhen-2: "Not Available". The leucine amino acid residue is found in multiple mammalian species, which suggests that this missense change does not adversely affect protein function. In summary, the available evidence is currently insufficient to determine the role of this variant in disease. Therefore, it has been classified as a Variant of Uncertain Significance.

Ambry Genetics
Classification: Uncertain significance for Inborn genetic diseases. Last evaluated: 2022-11-17. Review status: criteria provided, single submitter. Criteria: Ambry Variant Classification Scheme 2023. Collection method: clinical testing. Allele origin: germline.

PreventionGenetics, part of Exact Sciences
Classification: Uncertain significance for MAGEL2-related condition. Last evaluated: 2024-04-08. Review status: no assertion criteria provided. Collection method: clinical testing. Allele origin: germline. Not counted in ClinVar's aggregate classification.
Comment: The MAGEL2 c.3088T>C variant is predicted to result in the amino acid substitution p.Phe1030Leu. To our knowledge, this variant has not been reported in the literature. This variant is reported in 0.0018% of alleles in individuals of European (Non-Finnish) descent in gnomAD. At this time, the clinical significance of this variant is uncertain due to the absence of conclusive functional and genetic evidence.